The following is an entry in ClinVar:

ClinVar aggregate classification (germline): Uncertain significance (1 of 4 stars; one submission).

Conditions:
Spermatogenic failure 18. Identifiers: MedGen C4539783, MONDO:0054615, OMIM 617576.
Ciliary dyskinesia, primary, 37 (CILD37). Also called: CILIARY DYSKINESIA, PRIMARY, 37, WITH OR WITHOUT SITUS INVERSUS. Identifiers: MedGen C4539798, MONDO:0033204, OMIM 617577.

Submission:

Juno Genomics, Hangzhou Juno Genomics, Inc
Classification: Uncertain significance for Spermatogenic failure 18; Ciliary dyskinesia, primary, 37. Review status: criteria provided, single submitter. Criteria: ACMG Guidelines, 2015. Collection method: clinical testing. Allele origin: germline. Affected: yes.
Comment: Absent from controls (or at extremely low frequency if recessive) in Genome Aggregation Database.;For recessive disorders, detected in trans with a pathogenic variant.;Co-segregation with disease in multiple affected family members.;Patient's phenotype or family history is highly specific for a disease with a single genetic etiology.

NM_015512.5(DNAH1):c.5156_5157delinsAT (p.Leu1719His)

Gene: DNAH1 (dynein axonemal heavy chain 1; plus strand). Cytogenetic location: 3p21.1.
Variant type: Indel.
Coding change: c.5156_5157delinsAT on transcript NM_015512.5 (MANE Select); coding-DNA positions 5156 to 5157, TC replaced by AT.
Protein change: p.Leu1719His; replaces leucine 1719 with histidine.
Molecular consequence: missense variant.
Genome position (GRCh38, 1-based): chr3:52,363,056-52,363,057, TC replaced by AT. VCF-style: chr3-52363056-TC-AT. GRCh37 (hg19) VCF-style: chr3-52397072-TC-AT.
Other names: short protein forms L1719H.
Identifiers: ClinVar variation 5019979 (VCV005019979.1).
Genomic context (GRCh38, chr3:52,363,056, plus strand): 5'-CGCTCTTCCGACCCGTGGCCATGATGGTTCCAGATTACGCCATGATCACTGAGATCTCCC[TC>AT]TATTCCTTTGGCTTTAATGAGGCCAGTGTGCTGGCTAAGAAGATCACAACCACCTTCAAG-3'
Protein context (NP_056327.4, residues 1709-1729): PDYAMITEIS[Leu1719His]YSFGFNEASV